The following is an entry in ClinVar:

NM_001303052.2(MYT1L):c.2485C>T (p.Arg829Trp)

Gene: MYT1L (myelin transcription factor 1 like; minus strand). Cytogenetic location: 2p25.3.
Variant type: single nucleotide variant.
Coding change: c.2485C>T on transcript NM_001303052.2 (MANE Select); coding-DNA position 2485, C replaced by T.
Protein change: p.Arg829Trp; replaces arginine 829 with tryptophan.
Molecular consequence: missense variant.
Genome position (GRCh38, 1-based): chr2:1,889,276, G>A on the plus strand (C>T on the coding strand, the complement: MYT1L is on the minus strand). VCF-style: chr2-1889276-G-A. GRCh37 (hg19) VCF-style: chr2-1893048-G-A.
Other names: c.2479C>T, p.Arg827Trp (NM_001329846.3, NM_001329847.2, NM_001329848.1 and 3 more transcripts); c.2485C>T, p.Arg829Trp (NM_001329851.3, NM_001329844.2, NM_001329845.1); short protein forms R827W, R829W.
Identifiers: ClinVar variation 1339040 (VCV001339040.2), dbSNP rs758959040, ClinGen allele CA345710539.

ClinVar aggregate classification (germline): Uncertain significance (1 of 4 stars; one submission).

Conditions:
Intellectual developmental disorder, autosomal dominant 39. Also called: Intellectual disability, autosomal dominant 39; Mental retardation, autosomal dominant 39. Identifiers: MedGen C4225296, MONDO:0014678, OMIM 616521.

gnomAD v4.1: 3 of 1,613,902 alleles (0.00019%); highest among the groups gnomAD compares: African/African-American, 0.0013%; no homozygotes.

Submission:

Neuberg Centre For Genomic Medicine, NCGM
Classification: Uncertain significance for Intellectual developmental disorder, autosomal dominant 39. Review status: criteria provided, single submitter. Criteria: ACMG Guidelines, 2015. Collection method: clinical testing. Allele origin: germline. Affected: yes.
Comment: The missense variant p.R827W in MYT1L (NM_015025.4) has not been reported previously as a pathogenic variant nor as a benign variant, to our knowledge. The p.R827W variant is novel (not in any individuals) in gnomAD Exomes and is novel (not in any individuals) in 1000 Genomes. In silico tools predict the variant to be damaging and the residue is conserved across species. For these reasons, this variant has been classified as Uncertain Significance.